The following is an entry in ClinVar:

NM_173500.4(TTBK2):c.1540G>T (p.Asp514Tyr)

Gene: TTBK2 (tau tubulin kinase 2; minus strand). Cytogenetic location: 15q15.2.
Variant type: single nucleotide variant.
Coding change: c.1540G>T on transcript NM_173500.4 (MANE Select); coding-DNA position 1540, G replaced by T.
Protein change: p.Asp514Tyr; replaces aspartic acid 514 with tyrosine.
Molecular consequence: missense variant.
Genome position (GRCh38, 1-based): chr15:42,775,593, C>A on the plus strand (G>T on the coding strand, the complement: TTBK2 is on the minus strand). VCF-style: chr15-42775593-C-A. GRCh37 (hg19) VCF-style: chr15-43067791-C-A.
Other names: short protein forms D514Y.
Identifiers: ClinVar variation 2895376 (VCV002895376.4), dbSNP rs775186980, ClinGen allele CA7516871.

ClinVar aggregate classification (germline): Uncertain significance. Review status: criteria provided, multiple submitters, no conflicts (2 of 4 stars). 2 submissions from 2 submitters: Uncertain significance (2). Last evaluated 2025-05-20.

Conditions:
Inborn genetic diseases. Identifiers: MedGen C0950123, MeSH D030342.

Allele frequency attached by ClinVar (database versions not stated): gnomAD 0.00001; ExAC 0.00002; TOPMed 0.00002.
gnomAD v4.1: 13 of 1,613,992 alleles (0.00081%); highest among the groups gnomAD compares: Admixed American, 0.022%; no homozygotes.

Submissions (2):

Ambry Genetics
Classification: Uncertain significance for Inborn genetic diseases. Last evaluated: 2025-05-20. Review status: criteria provided, single submitter. Criteria: Ambry Variant Classification Scheme 2023. Collection method: clinical testing. Allele origin: germline.

Labcorp Genetics (formerly Invitae), Labcorp
Classification: Uncertain significance. Last evaluated: 2023-10-10. Review status: criteria provided, single submitter. Criteria: Invitae Variant Classification Sherloc (09022015). Collection method: clinical testing. Allele origin: germline.
Comment: This sequence change replaces aspartic acid, which is acidic and polar, with tyrosine, which is neutral and polar, at codon 514 of the TTBK2 protein (p.Asp514Tyr). This variant is present in population databases (rs775186980, gnomAD 0.02%). This variant has not been reported in the literature in individuals affected with TTBK2-related conditions. Advanced modeling of protein sequence and biophysical properties (such as structural, functional, and spatial information, amino acid conservation, physicochemical variation, residue mobility, and thermodynamic stability) has been performed at Invitae for this missense variant, however the output from this modeling did not meet the statistical confidence thresholds required to predict the impact of this variant on TTBK2 protein function. In summary, the available evidence is currently insufficient to determine the role of this variant in disease. Therefore, it has been classified as a Variant of Uncertain Significance.